The following is an entry in ClinVar:

ClinVar aggregate classification (germline): Uncertain significance. Review status: criteria provided, multiple submitters, no conflicts (2 of 4 stars). 3 submissions from 3 submitters: Uncertain significance (3). Last evaluated 2025-03-18.

Allele frequency attached by ClinVar (database versions not stated): ExAC 0.00002; gnomAD exomes 0.00003; gnomAD 0.00005; TOPMed 0.00005; ESP Exome Variant Server 0.00008.
gnomAD v4.1: 55 of 1,613,908 alleles (0.0034%); highest among the groups gnomAD compares: Non-Finnish European, 0.0045%; no homozygotes.

Submissions (3):

Ambry Genetics
Classification: Uncertain significance. Last evaluated: 2025-03-18. Review status: criteria provided, single submitter. Criteria: Ambry Variant Classification Scheme 2023. Collection method: clinical testing. Allele origin: germline.

GeneDx
Classification: Uncertain significance. Last evaluated: 2025-03-03. Review status: criteria provided, single submitter. Criteria: GeneDx Variant Classification Process June 2021. Collection method: clinical testing. Allele origin: germline. Affected: yes.
Comment: In silico analysis indicates that this missense variant does not alter protein structure/function; Has not been previously published as pathogenic or benign to our knowledge

Labcorp Genetics (formerly Invitae), Labcorp
Classification: Uncertain significance. Last evaluated: 2022-07-02. Review status: criteria provided, single submitter. Criteria: Invitae Variant Classification Sherloc (09022015). Collection method: clinical testing. Allele origin: germline.
Comment: This sequence change replaces arginine, which is basic and polar, with glutamine, which is neutral and polar, at codon 115 of the IL2RB protein (p.Arg115Gln). This variant is present in population databases (rs375543770, gnomAD 0.004%). This variant has not been reported in the literature in individuals affected with IL2RB-related conditions. Algorithms developed to predict the effect of missense changes on protein structure and function output the following: SIFT: "Tolerated"; PolyPhen-2: "Benign"; Align-GVGD: "Class C0". The glutamine amino acid residue is found in multiple mammalian species, which suggests that this missense change does not adversely affect protein function. In summary, the available evidence is currently insufficient to determine the role of this variant in disease. Therefore, it has been classified as a Variant of Uncertain Significance.

NM_000878.5(IL2RB):c.344G>A (p.Arg115Gln)

Gene: IL2RB (interleukin 2 receptor subunit beta; minus strand). Cytogenetic location: 22q12.3.
Variant type: single nucleotide variant.
Coding change: c.344G>A on transcript NM_000878.5 (MANE Select); coding-DNA position 344, G replaced by A.
Protein change: p.Arg115Gln; replaces arginine 115 with glutamine.
Molecular consequence: missense variant.
Genome position (GRCh38, 1-based): chr22:37,139,161, C>T on the plus strand (G>A on the coding strand, the complement: IL2RB is on the minus strand). VCF-style: chr22-37139161-C-T. GRCh37 (hg19) VCF-style: chr22-37535201-C-T.
Other names: c.344G>A, p.Arg115Gln (NM_001346222.1, NM_001346223.2); c.344G>A (NM_000878.2, NM_000878.3); short protein forms R115Q.
Identifiers: ClinVar variation 2167827 (VCV002167827.3), dbSNP rs375543770, ClinGen allele CA10216664.